The following is an entry in ClinVar:

ClinVar aggregate classification (germline): Uncertain significance. Review status: criteria provided, single submitter (1 of 4 stars). 2 submissions from 2 submitters: Uncertain significance (1). 1 of the submissions does not count toward it. Last evaluated 2015-08-17.

Conditions:
Hereditary cancer-predisposing syndrome. Also called: Neoplastic Syndromes, Hereditary; Tumor predisposition; Hereditary Cancer Syndrome; Hereditary neoplastic syndrome. Identifiers: Orphanet 140162, MedGen C0027672, MeSH D009386, MONDO:0015356.

Submissions (2):

Ambry Genetics
Classification: Uncertain significance for Hereditary cancer-predisposing syndrome. Last evaluated: 2015-08-17. Review status: criteria provided, single submitter. Criteria: Ambry Variant Classification Scheme 2023. Collection method: clinical testing. Allele origin: germline.
Comment: The c.248_250delTTG variant (also known as p.V83del and 367del3) is located in coding exon 4 of the BRCA1 gene. This variant results from an in-frame deletion of 3 nucleotides at positions 248 to 250, causing the removal of a highly-conserved Valine residue at codon 83. Since supporting evidence is limited at this time, the clinical significance of c.248_250delTTG remains unclear.

Research Molecular Genetics Laboratory, Women's College Hospital, University of Toronto
Classification: Uncertain significance. Last evaluated: 2014-12-23. Review status: no assertion criteria provided. Collection method: research. Allele origin: germline. Affected: yes. Study: The Canadian Open Genetics Repository (COGR). Not counted in ClinVar's aggregate classification.

NM_007294.4(BRCA1):c.245TTG[1] (p.Val83del)

Gene: BRCA1 (BRCA1 DNA repair associated; minus strand). Cytogenetic location: 17q21.31.
Variant type: Microsatellite.
Coding change: c.245TTG[1] on transcript NM_007294.4 (MANE Select); one copy of the 3-base unit TTG starting at c.245; the reference has two copies in a row; one copy, 3 bases deleted.
Protein change: p.Val83del; deletes valine 83.
Molecular consequence: inframe deletion. On other transcripts: inframe indel (357), non-coding transcript variant (1).
Genome position (GRCh38, 1-based): chr17:43,104,919-43,104,921, CAA deleted on the plus strand (TTG on the coding strand, the reverse complement: BRCA1 is on the minus strand); deleting any 3 consecutive bases within chr17:43,104,919-43,104,924 gives the same sequence; the position shown is the placement nearest the transcript's 3' end. VCF-style (leftmost placement, unchanged base first): chr17-43104918-TCAA-T. GRCh37 (hg19) VCF-style: chr17-41256935-TCAA-T.
Other names: c.248_250delTTG (NM_007294.3); c.35_37TTG[1], p.Val13del (NM_001408489.1, NM_001408490.1, NM_001408491.1 and 58 more transcripts); c.245_247TTG[1], p.Val83del (NM_001408494.1, NM_001408495.1, NM_007298.4 and 166 more transcripts); c.104_106TTG[1], p.Val36del (NM_001408496.1, NM_001408497.1, NM_001408498.1 and 98 more transcripts); c.-137_-135TTG[1] (NM_001408510.1, NM_001408512.1, NM_001407959.1 and 4 more transcripts); c.104TTG[1], p.Val36del (NM_007297.4); c.245TTG[1], p.Val83del (NM_007299.4, NM_007300.4); c.167_169TTG[1], p.Val57del (NM_001407653.1, NM_001407654.1, NM_001407655.1 and 21 more transcripts); and 1 more; short protein forms V83del, V36del, V39del, V13del, V57del.
Identifiers: ClinVar variation 233459 (VCV000233459.6), dbSNP rs876660423, ClinGen allele CA10580707.